The following is an entry in ClinVar:

ClinVar aggregate classification (germline): Uncertain significance (1 of 4 stars; one submission).

Submission:

Labcorp Genetics (formerly Invitae), Labcorp
Classification: Uncertain significance. Last evaluated: 2022-09-07. Review status: criteria provided, single submitter. Criteria: Invitae Variant Classification Sherloc (09022015). Collection method: clinical testing. Allele origin: germline.
Comment: In summary, the available evidence is currently insufficient to determine the role of this variant in disease. Therefore, it has been classified as a Variant of Uncertain Significance. Algorithms developed to predict the effect of missense changes on protein structure and function are either unavailable or do not agree on the potential impact of this missense change (SIFT: "Deleterious"; PolyPhen-2: "Probably Damaging"; Align-GVGD: "Class C0"). This variant has not been reported in the literature in individuals affected with RFWD3-related conditions. This variant is not present in population databases (gnomAD no frequency). This sequence change replaces arginine, which is basic and polar, with glycine, which is neutral and non-polar, at codon 301 of the RFWD3 protein (p.Arg301Gly).

NM_018124.4(RFWD3):c.901C>G (p.Arg301Gly)

Gene: RFWD3 (ring finger and WD repeat domain 3; minus strand). Cytogenetic location: 16q23.1.
Variant type: single nucleotide variant.
Coding change: c.901C>G on transcript NM_018124.4 (MANE Select); coding-DNA position 901, C replaced by G.
Protein change: p.Arg301Gly; replaces arginine 301 with glycine.
Molecular consequence: missense variant.
Genome position (GRCh38, 1-based): chr16:74,644,627, G>C on the plus strand (C>G on the coding strand, the complement: RFWD3 is on the minus strand). VCF-style: chr16-74644627-G-C. GRCh37 (hg19) VCF-style: chr16-74678525-G-C.
Other names: c.67C>G, p.Arg23Gly (NM_001370542.1, NM_001370543.1, NM_001370537.1 and 3 more transcripts); c.901C>G, p.Arg301Gly (NM_001370534.1, NM_001370535.1, NM_001370536.1); short protein forms R23G, R301G.
Identifiers: ClinVar variation 2004228 (VCV002004228.4), dbSNP rs1336580643, ClinGen allele CA396762901.